The following is an entry in ClinVar:

NM_000283.4(PDE6B):c.2197G>T (p.Ala733Ser)

Gene: PDE6B (phosphodiesterase 6B; plus strand). Cytogenetic location: 4p16.3.
Variant type: single nucleotide variant.
Coding change: c.2197G>T on transcript NM_000283.4 (MANE Select); coding-DNA position 2197, G replaced by T.
Protein change: p.Ala733Ser; replaces alanine 733 with serine.
Molecular consequence: missense variant.
Genome position (GRCh38, 1-based): chr4:665,258, G>T. VCF-style: chr4-665258-G-T. GRCh37 (hg19) VCF-style: chr4-659047-G-T.
Other names: c.2197G>T, p.Ala733Ser (NM_001145291.2); c.1360G>T, p.Ala454Ser (NM_001145292.2, NM_001350154.3, NM_001379246.1 and 1 more transcripts); c.1042G>T, p.Ala348Ser (NM_001350155.3); short protein forms A348S, A454S, A733S.
Identifiers: ClinVar variation 1406504 (VCV001406504.8), dbSNP rs367879245, ClinGen allele CA355919905.
Genomic context (GRCh38, chr4:665,258, plus strand): 5'-CGGGCCCTTCCGCGTGGGCTCAGAGCTCCACAGACAGCTGCCTTCCTGTGCCTCCAGGTC[G>T]CACTTCTCGTGGCTGCTGAGTTCTGGGAGCAAGGTGACTTGGAAAGGACAGTCTTGGATC-3'
Protein context (NP_000274.3, residues 723-743): TKPWEVQSKV[Ala733Ser]LLVAAEFWEQ

ClinVar aggregate classification (germline): Uncertain significance (1 of 4 stars; one submission).

Submission:

Labcorp Genetics (formerly Invitae), Labcorp
Classification: Uncertain significance. Last evaluated: 2022-02-24. Review status: criteria provided, single submitter. Criteria: Invitae Variant Classification Sherloc (09022015). Collection method: clinical testing. Allele origin: germline.
Comment: This variant disrupts the p.Ala733 amino acid residue in PDE6B. Other variant(s) that disrupt this residue have been determined to be pathogenic (PMID: 28488341, 30998820). This suggests that this residue is clinically significant, and that variants that disrupt this residue are likely to be disease-causing. Algorithms developed to predict the effect of missense changes on protein structure and function (SIFT, PolyPhen-2, Align-GVGD) all suggest that this variant is likely to be disruptive. This variant has not been reported in the literature in individuals affected with PDE6B-related conditions. This variant is not present in population databases (gnomAD no frequency). This sequence change replaces alanine, which is neutral and non-polar, with serine, which is neutral and polar, at codon 733 of the PDE6B protein (p.Ala733Ser). In summary, the available evidence is currently insufficient to determine the role of this variant in disease. Therefore, it has been classified as a Variant of Uncertain Significance.

Literature cited by the submitters: PubMed 28488341; PubMed 30998820.